The following is an entry in ClinVar:

ClinVar aggregate classification (germline): Benign/Likely benign. Review status: criteria provided, multiple submitters, no conflicts (2 of 4 stars). 3 submissions from 3 submitters: Benign (1); Likely benign (2). Last evaluated 2025-02-10.

Conditions:
Colorectal cancer, susceptibility to, 12 (CRCS12). Also called: COLORECTAL CANCER, SUSCEPTIBILITY TO, ON CHROMOSOME 12q24. Identifiers: Orphanet 220460, MedGen C3554460, MONDO:0014038, OMIM 615083.
Hereditary cancer-predisposing syndrome. Also called: Hereditary Cancer Syndrome; Tumor predisposition; Neoplastic Syndromes, Hereditary; Hereditary neoplastic syndrome. Identifiers: Orphanet 140162, MedGen C0027672, MeSH D009386, MONDO:0015356.

Submissions (3):

Myriad Genetics, Inc.
Classification: Benign for Colorectal cancer, susceptibility to, 12. Last evaluated: 2025-02-10. Review status: criteria provided, single submitter. Criteria: Myriad Autosomal Dominant, Autosomal Recessive and X-Linked Classification Criteria (2023). Collection method: clinical testing. Allele origin: unknown.
Comment: This variant is considered benign. This variant is a silent/synonymous amino acid change and it is not expected to impact splicing.

Ambry Genetics
Classification: Likely benign for Hereditary cancer-predisposing syndrome. Last evaluated: 2023-12-05. Review status: criteria provided, single submitter. Criteria: Ambry Variant Classification Scheme 2023. Collection method: clinical testing. Allele origin: germline.

Labcorp Genetics (formerly Invitae), Labcorp
Classification: Likely benign. Last evaluated: 2023-09-03. Review status: criteria provided, single submitter. Criteria: Invitae Variant Classification Sherloc (09022015). Collection method: clinical testing. Allele origin: germline.

NM_006231.4(POLE):c.1074C>T (p.Ile358=)

Gene: POLE (DNA polymerase epsilon, catalytic subunit; minus strand). Cytogenetic location: 12q24.33.
Variant type: single nucleotide variant.
Coding change: c.1074C>T on transcript NM_006231.4 (MANE Select); coding-DNA position 1074, C replaced by T.
Protein change: p.Ile358=; no amino-acid change (isoleucine 358 retained).
Molecular consequence: synonymous variant.
Genome position (GRCh38, 1-based): chr12:132,675,767, G>A on the plus strand (C>T on the coding strand, the complement: POLE is on the minus strand). VCF-style: chr12-132675767-G-A. GRCh37 (hg19) VCF-style: chr12-133252353-G-A.
Other names: c.1074C>T (NM_006231.2).
Identifiers: ClinVar variation 1538583 (VCV001538583.10), dbSNP rs2136011325, ClinGen allele CA482849762.
Genomic context (GRCh38, chr12:132,675,767, plus strand): 5'-GTTACTCATAGAGAAGACACAGACTCACCAGTCAAAAAAGTCCCCGTTGTAGGTGACCAT[G>A]ATGGTGGGTTTGGTCTCCTGGACGTGTTCAAACCACCTTTGGATCAGATGAGCCTGAACC-3'
Protein context (NP_006222.2, residues 348-368): FEHVQETKPT[Ile358=]MVTYNGDFFD